The following is an entry in ClinVar:

ClinVar aggregate classification (germline): Pathogenic/Likely pathogenic. Review status: criteria provided, multiple submitters, no conflicts (2 of 4 stars). 2 submissions from 2 submitters: Pathogenic (1); Likely pathogenic (1). Last evaluated 2024-12-24.

Conditions:
Intellectual disability, autosomal dominant 14 (CSS2). Also called: COFFIN-SIRIS SYNDROME 2. Identifiers: Orphanet 1465, MedGen C3553247, MONDO:0013819, OMIM 614607.

Submissions (2):

Labcorp Genetics (formerly Invitae), Labcorp
Classification: Pathogenic. Last evaluated: 2024-12-24. Review status: criteria provided, single submitter. Criteria: Invitae Variant Classification Sherloc (09022015). Collection method: clinical testing. Allele origin: germline.
Comment: This sequence change replaces tyrosine, which is neutral and polar, with cysteine, which is neutral and slightly polar, at codon 1096 of the ARID1A protein (p.Tyr1096Cys). This variant is not present in population databases (gnomAD no frequency). This missense change has been observed in individual(s) with clinical features of ARID1A-related conditions (internal data). In at least one individual the variant was observed to be de novo. ClinVar contains an entry for this variant (Variation ID: 2500289). Invitae Evidence Modeling of protein sequence and biophysical properties (such as structural, functional, and spatial information, amino acid conservation, physicochemical variation, residue mobility, and thermodynamic stability) indicates that this missense variant is expected to disrupt ARID1A protein function with a positive predictive value of 80%. For these reasons, this variant has been classified as Pathogenic.

Equipe Genetique des Anomalies du Developpement, Université de Bourgogne
Classification: Likely pathogenic for Intellectual disability, autosomal dominant 14. Last evaluated: 2023-03-24. Review status: criteria provided, single submitter. Criteria: ACMG Guidelines, 2015. Collection method: clinical testing. Allele origin: de novo. Inheritance: Autosomal dominant inheritance. Affected: yes.

NM_006015.6(ARID1A):c.3287A>G (p.Tyr1096Cys)

Gene: ARID1A (AT-rich interaction domain 1A; plus strand). Cytogenetic location: 1p36.11.
Variant type: single nucleotide variant.
Coding change: c.3287A>G on transcript NM_006015.6 (MANE Select); coding-DNA position 3287, A replaced by G.
Protein change: p.Tyr1096Cys; replaces tyrosine 1096 with cysteine.
Molecular consequence: missense variant.
Genome position (GRCh38, 1-based): chr1:26,771,207, A>G. VCF-style: chr1-26771207-A-G. GRCh37 (hg19) VCF-style: chr1-27097698-A-G.
Other names: c.3287A>G, p.Tyr1096Cys (NM_139135.4); short protein forms Y1096C.
Identifiers: ClinVar variation 2500289 (VCV002500289.3), dbSNP rs2124097438, ClinGen allele CA339165004.